The following is an entry in ClinVar:

ClinVar aggregate classification (germline): Uncertain significance. Review status: criteria provided, multiple submitters, no conflicts (2 of 4 stars). 2 submissions from 2 submitters: Uncertain significance (2). Last evaluated 2024-02-17.

Conditions:
Inborn genetic diseases. Identifiers: MedGen C0950123, MeSH D030342.

Allele frequency attached by ClinVar (database versions not stated): gnomAD exomes below 0.00001 and 0.00002; gnomAD 0.00002 and 0.00003; TOPMed 0.00002.
gnomAD v4.1: 41 of 1,613,576 alleles (0.0025%); highest among the groups gnomAD compares: Middle Eastern, 0.016%; no homozygotes.

Submissions (2):

Labcorp Genetics (formerly Invitae), Labcorp
Classification: Uncertain significance. Last evaluated: 2024-02-17. Review status: criteria provided, single submitter. Criteria: Invitae Variant Classification Sherloc (09022015). Collection method: clinical testing. Allele origin: germline.
Comment: This sequence change replaces valine, which is neutral and non-polar, with isoleucine, which is neutral and non-polar, at codon 654 of the ARMC9 protein (p.Val654Ile). The frequency data for this variant in the population databases is considered unreliable, as metrics indicate poor data quality at this position in the gnomAD database. This variant has not been reported in the literature in individuals affected with ARMC9-related conditions. ClinVar contains an entry for this variant (Variation ID: 1055536). Experimental studies and prediction algorithms are not available or were not evaluated, and the functional significance of this variant is currently unknown. In summary, the available evidence is currently insufficient to determine the role of this variant in disease. Therefore, it has been classified as a Variant of Uncertain Significance.

Ambry Genetics
Classification: Uncertain significance for Inborn genetic diseases. Last evaluated: 2024-01-24. Review status: criteria provided, single submitter. Criteria: Ambry Variant Classification Scheme 2023. Collection method: clinical testing. Allele origin: germline.

NM_001352754.2(ARMC9):c.1960G>A (p.Val654Ile)

Gene: ARMC9 (armadillo repeat containing 9; plus strand). Cytogenetic location: 2q37.1.
Variant type: single nucleotide variant.
Coding change: c.1960G>A on transcript NM_001352754.2 (MANE Select); coding-DNA position 1960, G replaced by A.
Protein change: p.Val654Ile; replaces valine 654 with isoleucine.
Molecular consequence: missense variant. On other transcripts: non-coding transcript variant (1).
Genome position (GRCh38, 1-based): chr2:231,345,056, G>A. VCF-style: chr2-231345056-G-A. GRCh37 (hg19) VCF-style: chr2-232209768-G-A.
Other names: c.1960G>A, p.Val654Ile (NM_001271466.4, NM_001291656.2, NM_001352755.2 and 2 more transcripts); c.1861G>A, p.Val621Ile (NM_001352757.2, NM_001352758.2); c.1855G>A, p.Val619Ile (NM_001352759.2); c.1960G>A (NM_025139.3); short protein forms V619I, V621I, V654I.
Identifiers: ClinVar variation 1055536 (VCV001055536.7), dbSNP rs1447655563, ClinGen allele CA350957178.